The following is an entry in ClinVar:

NM_025132.4(WDR19):c.3483+1G>A

Gene: WDR19 (WD repeat domain 19; plus strand). Cytogenetic location: 4p14.
Variant type: single nucleotide variant.
Coding change: c.3483+1G>A on transcript NM_025132.4 (MANE Select); the canonical splice donor site of the intron after coding-DNA position 3483, G replaced by A.
Molecular consequence: splice donor variant.
Genome position (GRCh38, 1-based): chr4:39,270,101, G>A. VCF-style: chr4-39270101-G-A. GRCh37 (hg19) VCF-style: chr4-39271721-G-A.
Other names: c.3003+1G>A (NM_001317924.2).
Identifiers: ClinVar variation 2027077 (VCV002027077.4), dbSNP rs2109497413, ClinGen allele CA356646586.

ClinVar aggregate classification (germline): Likely pathogenic (1 of 4 stars; one submission).

Conditions:
Senior-Loken syndrome 8 (SLSN8). Identifiers: Orphanet 3156, MedGen C4225376, MONDO:0014579, OMIM 616307.
Asphyxiating thoracic dystrophy 5 (SRTD5). Also called: SHORT-RIB THORACIC DYSPLASIA 5 WITH OR WITHOUT POLYDACTYLY; SHORT-RIB THORACIC DYSPLASIA 5 WITHOUT POLYDACTYLY. Identifiers: Orphanet 474, MedGen C3280598, MONDO:0013717, OMIM 614376.

Allele frequency attached by ClinVar (database versions not stated): gnomAD exomes below 0.00001.
gnomAD v4.1: 3 of 1,613,616 alleles (0.00019%); highest among the groups gnomAD compares: Non-Finnish European, 0.00025%; no homozygotes.

Submission:

Labcorp Genetics (formerly Invitae), Labcorp
Classification: Likely pathogenic for Senior-Loken syndrome 8; Asphyxiating thoracic dystrophy 5. Last evaluated: 2021-12-02. Review status: criteria provided, single submitter. Criteria: Invitae Variant Classification Sherloc (09022015). Collection method: clinical testing. Allele origin: germline.
Comment: Algorithms developed to predict the effect of sequence changes on RNA splicing suggest that this variant may disrupt the consensus splice site. In summary, the currently available evidence indicates that the variant is pathogenic, but additional data are needed to prove that conclusively. Therefore, this variant has been classified as Likely Pathogenic. This variant has not been reported in the literature in individuals affected with WDR19-related conditions. This variant is not present in population databases (gnomAD no frequency). This sequence change affects a donor splice site in intron 31 of the WDR19 gene. It is expected to disrupt RNA splicing. Variants that disrupt the donor or acceptor splice site typically lead to a loss of protein function (PMID: 16199547), and loss-of-function variants in WDR19 are known to be pathogenic (PMID: 22019273, 23559409, 23683095, 26275793, 27241786, 29068549).

Literature cited by the submitters: PubMed 16199547; PubMed 22019273; PubMed 23559409; PubMed 23683095; PubMed 26275793; PubMed 27241786; PubMed 29068549.